The following is an entry in ClinVar:

ClinVar aggregate classification (germline): Uncertain significance (1 of 4 stars; one submission).

Allele frequency attached by ClinVar (database versions not stated): gnomAD 0.00001; gnomAD exomes 0.00001.
gnomAD v4.1: 11 of 1,608,780 alleles (0.00068%); highest among the groups gnomAD compares: Non-Finnish European, 0.00093%; no homozygotes.

Submission:

Labcorp Genetics (formerly Invitae), Labcorp
Classification: Uncertain significance. Last evaluated: 2023-08-30. Review status: criteria provided, single submitter. Criteria: Invitae Variant Classification Sherloc (09022015). Collection method: clinical testing. Allele origin: germline.
Comment: This sequence change replaces serine, which is neutral and polar, with asparagine, which is neutral and polar, at codon 431 of the CACNA1G protein (p.Ser431Asn). The frequency data for this variant in the population databases is considered unreliable, as metrics indicate poor data quality at this position in the gnomAD database. This variant has not been reported in the literature in individuals affected with CACNA1G-related conditions. Advanced modeling of protein sequence and biophysical properties (such as structural, functional, and spatial information, amino acid conservation, physicochemical variation, residue mobility, and thermodynamic stability) has been performed at Invitae for this missense variant, however the output from this modeling did not meet the statistical confidence thresholds required to predict the impact of this variant on CACNA1G protein function. In summary, the available evidence is currently insufficient to determine the role of this variant in disease. Therefore, it has been classified as a Variant of Uncertain Significance.

NM_018896.5(CACNA1G):c.1292G>A (p.Ser431Asn)

Gene: CACNA1G (calcium voltage-gated channel subunit alpha1 G; plus strand). Cytogenetic location: 17q21.33.
Variant type: single nucleotide variant.
Coding change: c.1292G>A on transcript NM_018896.5 (MANE Select); coding-DNA position 1292, G replaced by A.
Protein change: p.Ser431Asn; replaces serine 431 with asparagine.
Molecular consequence: missense variant. On other transcripts: non-coding transcript variant (5).
Genome position (GRCh38, 1-based): chr17:50,575,694, G>A. VCF-style: chr17-50575694-G-A. GRCh37 (hg19) VCF-style: chr17-48653055-G-A.
Other names: c.1292G>A, p.Ser431Asn (NM_001256324.2, NM_001256325.2, NM_001256326.2 and 24 more transcripts); short protein forms S431N.
Identifiers: ClinVar variation 2793482 (VCV002793482.3), dbSNP rs1365196916, ClinGen allele CA400235115.
Genomic context (GRCh38, chr17:50,575,694, plus strand): 5'-AGCAGCGTGTGCGGTTCCTGTCCAACGCCAGCACCCTGGCTAGCTTCTCTGAGCCCGGCA[G>A]CTGCTATGAGGAGCTGCTCAAGTACCTGGTGTACATCCTTCGTAAGGCAGCCCGCAGGCT-3'
Protein context (NP_061496.2, residues 421-441): STLASFSEPG[Ser431Asn]CYEELLKYLV